The following is an entry in ClinVar:

NM_032357.4(VMA22):c.216-4T>C

Gene: VMA22 (vacuolar ATPase assembly factor VMA22; minus strand). Cytogenetic location: 2q21.1.
Variant type: single nucleotide variant.
Coding change: c.216-4T>C on transcript NM_032357.4 (MANE Select); 4 bases into the intron before coding-DNA position 216, T replaced by C.
Molecular consequence: intron variant.
Genome position (GRCh38, 1-based): chr2:130,341,753, A>G on the plus strand (T>C on the coding strand, the complement: VMA22 is on the minus strand). VCF-style: chr2-130341753-A-G. GRCh37 (hg19) VCF-style: chr2-131099326-A-G.
Other names: c.201-4T>C (NM_001321118.1); c.192-4T>C (NM_001321119.2).
Identifiers: ClinVar variation 4981133 (VCV004981133.1).
Genomic context (GRCh38, chr2:130,341,753, plus strand): 5'-GGGGCGTGGACACCAGCTCTCACCACCTTGAACTTCTGGAGTCCCTCCTGGGCCTCGCTG[A>G]AGGACGAGAAGGGAGGATGGAGCTTTGGCAGCCCGGGCCTAGAACGCGCCCGCCCGCCCA-3'

ClinVar aggregate classification (germline): Likely benign (1 of 4 stars; one submission).

Conditions:
VMA22-related condition.

gnomAD v4.1: 9 of 1,610,778 alleles (0.00056%); highest among the groups gnomAD compares: Admixed American, 0.012%; no homozygotes.

Submission:

PreventionGenetics, part of Exact Sciences
Classification: Likely benign for VMA22-related condition. Last evaluated: 2026-08-19. Review status: criteria provided, single submitter. Criteria: ACMG Guidelines, 2015. Collection method: clinical testing. Allele origin: germline.
Comment: This variant is classified as likely benign based on ACMG/AMP sequence variant interpretation guidelines (Richards et al. 2015 PMID: 25741868, with internal and published modifications).